The following is an entry in ClinVar:

NM_012414.4(RAB3GAP2):c.310T>C (p.Trp104Arg)

Gene: RAB3GAP2 (RAB3 GTPase activating non-catalytic protein subunit 2; minus strand). Cytogenetic location: 1q41.
Variant type: single nucleotide variant.
Coding change: c.310T>C on transcript NM_012414.4 (MANE Select); coding-DNA position 310, T replaced by C.
Protein change: p.Trp104Arg; replaces tryptophan 104 with arginine.
Molecular consequence: missense variant.
Genome position (GRCh38, 1-based): chr1:220,212,963, A>G on the plus strand (T>C on the coding strand, the complement: RAB3GAP2 is on the minus strand). VCF-style: chr1-220212963-A-G. GRCh37 (hg19) VCF-style: chr1-220386305-A-G.
Other names: short protein forms W104R.
Identifiers: ClinVar variation 463030 (VCV000463030.1), dbSNP rs1553278790, ClinGen allele CA344730903.
Genomic context (GRCh38, chr1:220,212,963, plus strand): 5'-AGGAACCACTCCAGCCAACAGCAAATTGCATTTCTTCCTTTCCTTTATCACTATATTTCC[A>G]TTTTGCTGTAAGAATTAAGATATCATATAAAATAATTTTAGCTATAATACACTAAAAGAG-3'
Protein context (NP_036546.2, residues 94-114): EQKAVFLVPK[Trp104Arg]KYSDKGKEEM

ClinVar aggregate classification (germline): Uncertain significance (1 of 4 stars; one submission).

Conditions:
Warburg micro syndrome 2 (WARBM2). Also called: MICRO SYNDROME 2. Identifiers: Orphanet 2510, MedGen C3280214, MONDO:0013641, OMIM 614225.
Martsolf syndrome (MARTS). Also called: Congenital cataract with intellectual disability and hypogonadotropic hypogonadism syndrome. Identifiers: Orphanet 1387, MedGen C0796037, MONDO:0023910.

Submission:

Labcorp Genetics (formerly Invitae), Labcorp
Classification: Uncertain significance for Martsolf syndrome; Warburg micro syndrome 2. Last evaluated: 2017-07-12. Review status: criteria provided, single submitter. Criteria: Invitae Variant Classification Sherloc (09022015). Collection method: clinical testing. Allele origin: germline.
Comment: This sequence change replaces tryptophan with arginine at codon 104 of the RAB3GAP2 protein (p.Trp104Arg). The tryptophan residue is moderately conserved and there is a moderate physicochemical difference between tryptophan and arginine. This variant is not present in population databases (ExAC no frequency). This variant has not been reported in the literature in individuals with RAB3GAP2-related disease. Algorithms developed to predict the effect of missense changes on protein structure and function do not agree on the potential impact of this missense change (SIFT: "Tolerated"; PolyPhen-2: "Possibly Damaging"; Align-GVGD: "Class C0"). In summary, the available evidence is currently insufficient to determine the role of this variant in disease. Therefore, it has been classified as a Variant of Uncertain Significance.